The following is an entry in ClinVar:

NM_024675.4(PALB2):c.2361C>T (p.Thr787=)

Gene: PALB2 (partner and localizer of BRCA2; minus strand). Cytogenetic location: 16p12.2.
Variant type: single nucleotide variant.
Coding change: c.2361C>T on transcript NM_024675.4 (MANE Select); coding-DNA position 2361, C replaced by T.
Protein change: p.Thr787=; no amino-acid change (threonine 787 retained).
Molecular consequence: synonymous variant. On other transcripts: intron variant (1).
Genome position (GRCh38, 1-based): chr16:23,629,793, G>A on the plus strand (C>T on the coding strand, the complement: PALB2 is on the minus strand). VCF-style: chr16-23629793-G-A. GRCh37 (hg19) VCF-style: chr16-23641114-G-A.
Other names: c.2301C>T, p.Thr767= (NM_001407296.1); c.2361C>T, p.Thr787= (NM_001407297.1, NM_001407298.1, NM_001407299.1 and 3 more transcripts); c.1476C>T, p.Thr492= (NM_001407304.1, NM_001407305.1, NM_001407306.1 and 5 more transcripts); c.573C>T, p.Thr191= (NM_001407312.1, NM_001407313.1); c.49-518C>T (NM_001407314.1).
Identifiers: ClinVar variation 3903885 (VCV003903885.1).

ClinVar aggregate classification (germline): Benign (1 of 4 stars; one submission).

Conditions:
Familial cancer of breast. Also called: Hereditary breast cancer; hereditary breast carcinoma; BREAST CANCER, FAMILIAL. Identifiers: Orphanet 227535, MedGen C0346153, MONDO:0016419, OMIM 114480. Disease mechanism: loss of function.

Submission:

Myriad Genetics, Inc.
Classification: Benign for Familial cancer of breast. Last evaluated: 2025-01-16. Review status: criteria provided, single submitter. Criteria: Myriad Autosomal Dominant, Autosomal Recessive and X-Linked Classification Criteria (2023). Collection method: clinical testing. Allele origin: unknown.
Comment: This variant is considered benign. This variant is a silent/synonymous amino acid change and it is not expected to impact splicing.